The following is an entry in ClinVar:

ClinVar aggregate classification (germline): Pathogenic (1 of 4 stars; one submission).

Conditions:
Citrin deficiency. Identifiers: Orphanet 247582, MedGen C1997910, MONDO:0016602.

Submission:

Labcorp Genetics (formerly Invitae), Labcorp
Classification: Pathogenic for Citrin deficiency. Last evaluated: 2023-02-22. Review status: criteria provided, single submitter. Criteria: Invitae Variant Classification Sherloc (09022015). Collection method: clinical testing. Allele origin: germline.
Comment: This variant has not been reported in the literature in individuals affected with SLC25A13-related conditions. For these reasons, this variant has been classified as Pathogenic. This variant is not present in population databases (gnomAD no frequency). This sequence change creates a premature translational stop signal (p.Arg184Glufs*12) in the SLC25A13 gene. It is expected to result in an absent or disrupted protein product. Loss-of-function variants in SLC25A13 are known to be pathogenic (PMID: 10369257, 14680984, 27405544).

Literature cited by the submitters: PubMed 10369257; PubMed 14680984; PubMed 27405544.

NM_014251.3(SLC25A13):c.550del (p.Arg184fs)

Gene: SLC25A13 (solute carrier family 25 member 13; minus strand). Cytogenetic location: 7q21.3.
Variant type: Deletion.
Coding change: c.550del on transcript NM_014251.3 (MANE Select); coding-DNA position 550, one base deleted (C; older notation c.550delC).
Protein change: p.Arg184fs; shifts the reading frame from arginine 184.
Molecular consequence: frameshift variant. On other transcripts: non-coding transcript variant (1).
Genome position (GRCh38, 1-based): chr7:96,193,102, G deleted on the plus strand (C on the coding strand, the reverse complement: SLC25A13 is on the minus strand); the first of 2 consecutive G bases (chr7:96,193,102-96,193,103); deleting either gives the same sequence. VCF-style (leftmost placement, unchanged base first): chr7-96193101-CG-C. GRCh37 (hg19) VCF-style: chr7-95822413-CG-C.
Other names: c.550del, p.Arg184fs (NM_001160210.2); short protein forms R184fs.
Identifiers: ClinVar variation 2996675 (VCV002996675.3), dbSNP rs2485838385, ClinGen allele CA2683828656.